The following is an entry in ClinVar:

ClinVar aggregate classification (germline): Uncertain significance. Review status: criteria provided, single submitter (1 of 4 stars). 2 submissions from 2 submitters: Uncertain significance (1). 1 of the submissions does not count toward it. Last evaluated 2023-03-28.

Conditions:
ANKRD31-related disorder. Also called: ANKRD31-related condition.

Allele frequency attached by ClinVar (database versions not stated): ExAC 0.00023; 1000 Genomes Project 30x 0.00047; 1000 Genomes Project 0.00060; ESP Exome Variant Server 0.00066; TOPMed 0.00074.
gnomAD v4.1: 287 of 1,537,184 alleles (0.019%); highest among the groups gnomAD compares: African/African-American, 0.21%; no homozygotes.

Submissions (2):

Ambry Genetics
Classification: Uncertain significance. Last evaluated: 2023-03-28. Review status: criteria provided, single submitter. Criteria: Ambry Variant Classification Scheme 2023. Collection method: clinical testing. Allele origin: germline.

PreventionGenetics, part of Exact Sciences
Classification: Likely benign for ANKRD31-related condition. Last evaluated: 2023-02-25. Review status: no assertion criteria provided. Collection method: clinical testing. Allele origin: germline. Not counted in ClinVar's aggregate classification.
Comment: This variant is classified as likely benign based on ACMG/AMP sequence variant interpretation guidelines (Richards et al. 2015 PMID: 25741868, with internal and published modifications).

NM_001372053.1(ANKRD31):c.4748G>A (p.Cys1583Tyr)

Gene: ANKRD31 (ankyrin repeat domain 31; minus strand). Cytogenetic location: 5q13.3.
Variant type: single nucleotide variant.
Coding change: c.4748G>A on transcript NM_001372053.1 (MANE Select); coding-DNA position 4748, G replaced by A.
Protein change: p.Cys1583Tyr; replaces cysteine 1583 with tyrosine.
Molecular consequence: missense variant.
Genome position (GRCh38, 1-based): chr5:75,104,811, C>T on the plus strand (G>A on the coding strand, the complement: ANKRD31 is on the minus strand). VCF-style: chr5-75104811-C-T. GRCh37 (hg19) VCF-style: chr5-74400636-C-T.
Other names: c.4577G>A, p.Cys1526Tyr (NM_001164443.1); short protein forms C1526Y, C1583Y.
Identifiers: ClinVar variation 2520870 (VCV002520870.4), dbSNP rs375775783, ClinGen allele CA3307974.